The following is an entry in ClinVar:

NM_006231.4(POLE):c.2707-3C>G

Gene: POLE (DNA polymerase epsilon, catalytic subunit; minus strand). Cytogenetic location: 12q24.33.
Variant type: single nucleotide variant.
Coding change: c.2707-3C>G on transcript NM_006231.4 (MANE Select); 3 bases into the intron before coding-DNA position 2707, C replaced by G.
Molecular consequence: intron variant.
Genome position (GRCh38, 1-based): chr12:132,661,687, G>C on the plus strand (C>G on the coding strand, the complement: POLE is on the minus strand). VCF-style: chr12-132661687-G-C. GRCh37 (hg19) VCF-style: chr12-133238273-G-C.
Identifiers: ClinVar variation 821639 (VCV000821639.8), dbSNP rs1555226069, ClinGen allele CA915946845.

ClinVar aggregate classification (germline): Uncertain significance. Review status: criteria provided, multiple submitters, no conflicts (2 of 4 stars). 2 submissions from 2 submitters: Uncertain significance (2). Last evaluated 2026-02-05.

Conditions:
Hereditary cancer-predisposing syndrome. Also called: Tumor predisposition; Neoplastic Syndromes, Hereditary; Hereditary Cancer Syndrome; Hereditary neoplastic syndrome. Identifiers: Orphanet 140162, MedGen C0027672, MeSH D009386, MONDO:0015356.

Submissions (2):

Ambry Genetics
Classification: Uncertain significance for Hereditary cancer-predisposing syndrome. Last evaluated: 2026-02-05. Review status: criteria provided, single submitter. Criteria: Ambry Variant Classification Scheme 2023. Collection method: clinical testing. Allele origin: germline.
Comment: The c.2707-3C>G intronic variant results from a C to G substitution 3 nucleotides upstream from coding exon 24 in the POLE gene. This nucleotide position is not well conserved in available vertebrate species. In silico splice site analysis predicts that this alteration will weaken the native splice acceptor site. Based on the available evidence, the clinical significance of this variant remains unclear.

Labcorp Genetics (formerly Invitae), Labcorp
Classification: Uncertain significance. Last evaluated: 2023-12-09. Review status: criteria provided, single submitter. Criteria: Invitae Variant Classification Sherloc (09022015). Collection method: clinical testing. Allele origin: germline.
Comment: This sequence change falls in intron 23 of the POLE gene. It does not directly change the encoded amino acid sequence of the POLE protein. It affects a nucleotide within the consensus splice site. This variant is not present in population databases (gnomAD no frequency). This variant has not been reported in the literature in individuals affected with POLE-related conditions. ClinVar contains an entry for this variant (Variation ID: 821639). Variants that disrupt the consensus splice site are a relatively common cause of aberrant splicing (PMID: 17576681, 9536098). Algorithms developed to predict the effect of sequence changes on RNA splicing suggest that this variant may disrupt the consensus splice site. In summary, the available evidence is currently insufficient to determine the role of this variant in disease. Therefore, it has been classified as a Variant of Uncertain Significance.

Literature cited by the submitters: PubMed 17576681 (cited by Labcorp Genetics (formerly Invitae), Labcorp); PubMed 9536098 (cited by Labcorp Genetics (formerly Invitae), Labcorp).